The following is an entry in ClinVar:

ClinVar aggregate classification (germline): Uncertain significance (1 of 4 stars; one submission).

Conditions:
Muscular dystrophy-dystroglycanopathy (congenital with brain and eye anomalies), type a, 11 (MDDGA11). Also called: Congenital muscular dystrophy-dystroglycanopathy with brain and eye anomalies, type A11; Muscular dystrophy-dystroglycanopathy (congenital with brain and eye anomalies, type A, 11; WALKER-WARBURG SYNDROME OR MUSCLE-EYE-BRAIN DISEASE, B3GALNT2-RELATED. Identifiers: Orphanet 588, Orphanet 899, MedGen C3554638, MONDO:0014071, OMIM 615181.

Submission:

Labcorp Genetics (formerly Invitae), Labcorp
Classification: Uncertain significance for Muscular dystrophy-dystroglycanopathy (congenital with brain and eye anomalies), type a, 11. Last evaluated: 2022-01-17. Review status: criteria provided, single submitter. Criteria: Invitae Variant Classification Sherloc (09022015). Collection method: clinical testing. Allele origin: germline.
Comment: This sequence change falls in intron 4 of the B3GALNT2 gene. It does not directly change the encoded amino acid sequence of the B3GALNT2 protein. It affects a nucleotide within the consensus splice site. This variant is not present in population databases (gnomAD no frequency). This variant has not been reported in the literature in individuals affected with B3GALNT2-related conditions. Variants that disrupt the consensus splice site are a relatively common cause of aberrant splicing (PMID: 17576681, 9536098). Algorithms developed to predict the effect of sequence changes on RNA splicing suggest that this variant is not likely to affect RNA splicing. In summary, the available evidence is currently insufficient to determine the role of this variant in disease. Therefore, it has been classified as a Variant of Uncertain Significance.

Literature cited by the submitters: PubMed 17576681; PubMed 9536098.

NM_152490.5(B3GALNT2):c.555+6C>T

Gene: B3GALNT2 (beta-1,3-N-acetylgalactosaminyltransferase 2; minus strand). Cytogenetic location: 1q42.3.
Variant type: single nucleotide variant.
Coding change: c.555+6C>T on transcript NM_152490.5 (MANE Select); 6 bases into the intron after coding-DNA position 555, C replaced by T.
Molecular consequence: intron variant.
Genome position (GRCh38, 1-based): chr1:235,484,316, G>A on the plus strand (C>T on the coding strand, the complement: B3GALNT2 is on the minus strand). VCF-style: chr1-235484316-G-A. GRCh37 (hg19) VCF-style: chr1-235647632-G-A.
Other names: c.678+6C>T (NM_001277155.3).
Identifiers: ClinVar variation 2165826 (VCV002165826.4), dbSNP rs2527312540, ClinGen allele CA2574159670.